The following is an entry in ClinVar:

NM_152564.5(VPS13B):c.6728A>G (p.Glu2243Gly)

Gene: VPS13B (vacuolar protein sorting 13 homolog B; plus strand). Cytogenetic location: 8q22.2.
Variant type: single nucleotide variant.
Coding change: c.6728A>G on transcript NM_152564.5 (MANE Select); coding-DNA position 6728, A replaced by G.
Protein change: p.Glu2243Gly; replaces glutamic acid 2243 with glycine.
Molecular consequence: missense variant.
Genome position (GRCh38, 1-based): chr8:99,720,415, A>G. VCF-style: chr8-99720415-A-G. GRCh37 (hg19) VCF-style: chr8-100732643-A-G.
Other names: c.6803A>G, p.Glu2268Gly (NM_017890.5); short protein forms E2243G, E2268G.
Identifiers: ClinVar variation 3358243 (VCV003358243.1).

ClinVar aggregate classification (germline): Uncertain significance (0 of 4 stars; one submission).

Conditions:
VPS13B-related disorder. Also called: VPS13B-related condition.

gnomAD v4.1: 19 of 1,614,006 alleles (0.0012%); highest among the groups gnomAD compares: South Asian, 0.021%; no homozygotes.

Submission:

PreventionGenetics, part of Exact Sciences
Classification: Uncertain significance for VPS13B-related condition. Last evaluated: 2024-02-07. Review status: no assertion criteria provided. Collection method: clinical testing. Allele origin: germline.
Comment: The VPS13B c.6728A>G variant is predicted to result in the amino acid substitution p.Glu2243Gly. To our knowledge, this variant has not been reported in the literature. This variant is reported in 0.023% of alleles in individuals of South Asian descent in gnomAD. At this time, the clinical significance of this variant is uncertain due to the absence of conclusive functional and genetic evidence.